The following is an entry in ClinVar:

NM_004174.4(SLC9A3):c.806C>T (p.Ala269Val)

Gene: SLC9A3 (solute carrier family 9 member A3). Cytogenetic location: 5p15.33.
Variant type: single nucleotide variant.
Coding change: c.806C>T on transcript NM_004174.4 (MANE Select); coding-DNA position 806, C replaced by T.
Protein change: p.Ala269Val; replaces alanine 269 with valine.
Molecular consequence: missense variant.
Genome position (GRCh38, 1-based): chr5:484,646, G>A on the plus strand (C>T on the coding strand, the complement: SLC9A3 is on the minus strand). VCF-style: chr5-484646-G-A. GRCh37 (hg19) VCF-style: chr5-484761-G-A.
Other names: c.806C>T, p.Ala269Val (NM_001284351.3); short protein forms A269V.
Identifiers: ClinVar variation 3644406 (VCV003644406.2).

ClinVar aggregate classification (germline): Uncertain significance (1 of 4 stars; one submission).

Submission:

Labcorp Genetics (formerly Invitae), Labcorp
Classification: Uncertain significance. Last evaluated: 2024-04-25. Review status: criteria provided, single submitter. Criteria: Invitae Variant Classification Sherloc (09022015). Collection method: clinical testing. Allele origin: germline.
Comment: This sequence change replaces alanine, which is neutral and non-polar, with valine, which is neutral and non-polar, at codon 269 of the SLC9A3 protein (p.Ala269Val). This variant is not present in population databases (gnomAD no frequency). This variant has not been reported in the literature in individuals affected with SLC9A3-related conditions. Advanced modeling of protein sequence and biophysical properties (such as structural, functional, and spatial information, amino acid conservation, physicochemical variation, residue mobility, and thermodynamic stability) performed at Invitae indicates that this missense variant is expected to disrupt SLC9A3 protein function with a positive predictive value of 80%. In summary, the available evidence is currently insufficient to determine the role of this variant in disease. Therefore, it has been classified as a Variant of Uncertain Significance.